The following is an entry in ClinVar:

ClinVar aggregate classification (germline): Uncertain significance (1 of 4 stars; one submission).

Submission:

Labcorp Genetics (formerly Invitae), Labcorp
Classification: Uncertain significance. Last evaluated: 2025-12-22. Review status: criteria provided, single submitter. Criteria: Invitae Variant Classification Sherloc (09022015). Collection method: clinical testing. Allele origin: germline.
Comment: This variant, c.1416_1442dup, results in the insertion of 9 amino acid(s) of the KRT10 protein (p.Tyr473_Gly481dup), but otherwise preserves the integrity of the reading frame. This variant is present in population databases (no rsID available, gnomAD 0.08%). This variant has not been reported in the literature in individuals affected with KRT10-related conditions. In summary, the available evidence is currently insufficient to determine the role of this variant in disease. Therefore, it has been classified as a Variant of Uncertain Significance.

NM_000421.5(KRT10):c.1416_1442dup (p.Gly481_Ser482insTyrGlyGlyGlySerSerGlyGlyGly)

Gene: KRT10 (keratin 10; minus strand). Cytogenetic location: 17q21.2.
Variant type: Duplication.
Coding change: c.1416_1442dup on transcript NM_000421.5 (MANE Select); coding-DNA positions 1416 to 1442, 27 bases duplicated (CTACGGCGGCGGAAGCTCCGGCGGCGG).
Protein change: p.Gly481_Ser482insTyrGlyGlyGlySerSerGlyGlyGly.
Molecular consequence: inframe insertion.
Genome position (GRCh38, 1-based): chr17:40,819,093-40,819,119, CCGCCGCCGGAGCTTCCGCCGCCGTAG duplicated on the plus strand (CTACGGCGGCGGAAGCTCCGGCGGCGG on the coding strand, the reverse complement: KRT10 is on the minus strand); duplicating any 27 consecutive bases within chr17:40,819,093-40,819,128 gives the same sequence; the c. name uses the placement nearest the transcript's 3' end. VCF-style (leftmost placement, unchanged base first): chr17-40819092-T-TCCGCCGCCGGAGCTTCCGCCGCCGTAG. GRCh37 (hg19) VCF-style: chr17-38975344-T-TCCGCCGCCGGAGCTTCCGCCGCCGTAG.
Other names: c.1416_1442dup, p.Gly481_Ser482insTyrGlyGlyGlySerSerGlyGlyGly (NM_001379366.1).
Identifiers: ClinVar variation 4811542 (VCV004811542.1).